The following is an entry in ClinVar:

ClinVar aggregate classification (germline): Uncertain significance. Review status: criteria provided, multiple submitters, no conflicts (2 of 4 stars). 4 submissions from 4 submitters: Uncertain significance (4). Last evaluated 2026-01-30.

Conditions:
TTN-related disorder. Also called: TTN-related condition; TTN-related disease; TTN-related disorders.

Allele frequency attached by ClinVar (database versions not stated): gnomAD 0.00001; TOPMed 0.00002.
gnomAD v4.1: 6 of 1,612,600 alleles (0.00037%); highest among the groups gnomAD compares: Admixed American, 0.01%; no homozygotes.

Submissions (4):

GeneDx
Classification: Uncertain significance. Last evaluated: 2026-01-30. Review status: criteria provided, single submitter. Criteria: GeneDx Variant Classification Process June 2021. Collection method: clinical testing. Allele origin: germline.
Comment: Not observed at significant frequency in large population cohorts (gnomAD); Missense variant in a gene in which most reported pathogenic variants are truncating/loss of function; Has not been previously published as pathogenic or benign to our knowledge

PreventionGenetics, part of Exact Sciences
Classification: Uncertain significance for TTN-related condition. Last evaluated: 2023-05-05. Review status: criteria provided, single submitter. Criteria: ACMG Guidelines, 2015. Collection method: clinical testing. Allele origin: germline.
Comment: The TTN c.29857G>T variant is predicted to result in the amino acid substitution p.Gly9953Cys. To our knowledge, this variant has not been reported in the literature. This variant is reported in 0.0086% of alleles in individuals of Latino descent in gnomAD. At this time, the clinical significance of this variant is uncertain due to the absence of conclusive functional and genetic evidence.

Women's Health and Genetics/Laboratory Corporation of America, LabCorp
Classification: Uncertain significance. Last evaluated: 2022-05-19. Review status: criteria provided, single submitter. Criteria: LabCorp Variant Classification Summary - May 2015. Collection method: clinical testing. Allele origin: germline.
Comment: Variant summary: TTN c.26125G>T (p.Gly8709Cys) results in a non-conservative amino acid change located in the I-band region of the encoded protein sequence. Three of four in-silico tools predict a damaging effect of the variant on protein function. The variant allele was found at a frequency of 8.1e-06 in 246270 control chromosomes. The available data on variant occurrences in the general population are insufficient to allow any conclusion about variant significance. To our knowledge, no occurrence of c.26125G>T in individuals affected with Limb-Girdle Muscular Dystrophy, Type 2J/TTN-related cardiomyopathies and no experimental evidence demonstrating its impact on protein function have been reported. No clinical diagnostic laboratories have submitted clinical-significance assessments for this variant to ClinVar after 2014. Based on the evidence outlined above, the variant was classified as uncertain significance.

Revvity Omics, Revvity
Classification: Uncertain significance. Last evaluated: 2022-05-05. Review status: criteria provided, single submitter. Criteria: ACMG Guidelines, 2015. Collection method: clinical testing. Allele origin: germline.

NM_001267550.2(TTN):c.29857G>T (p.Gly9953Cys)

Gene: TTN (titin; minus strand). Cytogenetic location: 2q31.2.
Variant type: single nucleotide variant.
Coding change: c.29857G>T on transcript NM_001267550.2 (MANE Select); coding-DNA position 29857, G replaced by T.
Protein change: p.Gly9953Cys; replaces glycine 9953 with cysteine.
Molecular consequence: missense variant. On other transcripts: intron variant (3).
Genome position (GRCh38, 1-based): chr2:178,704,615, C>A on the plus strand (G>T on the coding strand, the complement: TTN is on the minus strand). VCF-style: chr2-178704615-C-A. GRCh37 (hg19) VCF-style: chr2-179569342-C-A.
Other names: c.29857G>T (NM_001267550.1); c.13858+33467G>T (NM_133437.4); c.13657+33467G>T (NM_133432.3); c.28906G>T, p.Gly9636Cys (NM_001256850.1); c.26125G>T, p.Gly8709Cys (NM_133378.4); c.13282+33467G>T (NM_003319.4); short protein forms G8709C, G9636C, G9953C.
Identifiers: ClinVar variation 1696010 (VCV001696010.7), dbSNP rs770212603, ClinGen allele CA60999530.
Genomic context (GRCh38, chr2:178,704,615, plus strand): 5'-ATCGATAATTGCCCTGGTCTTTAAGTTGACAGTTTTTGACTCTGAGTGTATGTCGGTCAC[C>A]ATCAATGCTTATTTCAAATTTATCACTGGGTTCCAGTTTTTCAGTTCCTTTGTACCACGA-3'
Protein context (NP_001254479.2, residues 9943-9963): PSDKFEISID[Gly9953Cys]DRHTLRVKNC